The following is an entry in ClinVar:

ClinVar aggregate classification (germline): Uncertain significance (1 of 4 stars; one submission).

Submission:

Labcorp Genetics (formerly Invitae), Labcorp
Classification: Uncertain significance. Last evaluated: 2023-02-25. Review status: criteria provided, single submitter. Criteria: Invitae Variant Classification Sherloc (09022015). Collection method: clinical testing. Allele origin: germline.
Comment: In summary, the available evidence is currently insufficient to determine the role of this variant in disease. Therefore, it has been classified as a Variant of Uncertain Significance. Advanced modeling of protein sequence and biophysical properties (such as structural, functional, and spatial information, amino acid conservation, physicochemical variation, residue mobility, and thermodynamic stability) performed at Invitae indicates that this missense variant is expected to disrupt ADCY1 protein function. This variant has not been reported in the literature in individuals affected with ADCY1-related conditions. This variant is not present in population databases (gnomAD no frequency). This sequence change replaces alanine, which is neutral and non-polar, with aspartic acid, which is acidic and polar, at codon 152 of the ADCY1 protein (p.Ala152Asp).

NM_021116.4(ADCY1):c.455C>A (p.Ala152Asp)

Gene: ADCY1 (adenylate cyclase 1; plus strand). Cytogenetic location: 7p12.3.
Variant type: single nucleotide variant.
Coding change: c.455C>A on transcript NM_021116.4 (MANE Select); coding-DNA position 455, C replaced by A.
Protein change: p.Ala152Asp; replaces alanine 152 with aspartic acid.
Molecular consequence: missense variant. On other transcripts: 5 prime UTR variant (1).
Genome position (GRCh38, 1-based): chr7:45,574,998, C>A. VCF-style: chr7-45574998-C-A. GRCh37 (hg19) VCF-style: chr7-45614597-C-A.
Other names: c.-221C>A (NM_001281768.2); short protein forms A152D.
Identifiers: ClinVar variation 2840849 (VCV002840849.3), dbSNP rs1441071960, ClinGen allele CA367558750.
Genomic context (GRCh38, chr7:45,574,998, plus strand): 5'-CCTTCGCGCTGCTCTGCTGTCCTTTCGCGCTGGGCGGCCCCGCCCGGGGTTCCGCCGGGG[C>A]CGCTGGGGGGCCAGCGACCGCCGAACAAGGGGTTTGGCAGCTCCTTTTGGTCACCTTCGT-3'
Protein context (NP_066939.1, residues 142-162): LGGPARGSAG[Ala152Asp]AGGPATAEQG